The following is an entry in ClinVar:

NM_021871.4(FGA):c.991A>G (p.Thr331Ala)

Gene: FGA (fibrinogen alpha chain; minus strand). Cytogenetic location: 4q31.3.
Variant type: single nucleotide variant.
Coding change: c.991A>G on transcript NM_021871.4 (MANE Select); coding-DNA position 991, A replaced by G.
Protein change: p.Thr331Ala; replaces threonine 331 with alanine.
Molecular consequence: missense variant.
Genome position (GRCh38, 1-based): chr4:154,586,438, T>C on the plus strand (A>G on the coding strand, the complement: FGA is on the minus strand). VCF-style: chr4-154586438-T-C. GRCh37 (hg19) VCF-style: chr4-155507590-T-C.
Other names: T312A; c.991A>G (LRG_557t2); c.991A>G, p.Thr331Ala (LRG_557t1, NM_000508.5); short protein forms T331A.
Identifiers: ClinVar variation 16420 (VCV000016420.21), dbSNP rs6050, ClinGen allele CA126515.

ClinVar aggregate classification (germline): Benign/Likely benign. Review status: criteria provided, multiple submitters, no conflicts (2 of 4 stars). 10 submissions from 9 submitters: Benign (5); Likely benign (2). 3 of the submissions do not count toward it. Last evaluated 2026-05-11.

Conditions:
Familial visceral amyloidosis, Ostertag type (AMYLD2). Also called: AMYLOIDOSIS, HEREDITARY SYSTEMIC 2; Amyloidosis, hepatic and systemic; Familial visceral amyloidosis; Ostertag type amyloidosis; Hereditary Renal Amyloidosis; AMYLOIDOSIS VIII. Identifiers: Orphanet 85450, MedGen C0268389, MONDO:0007099, OMIM 105200.
Congenital afibrinogenemia. Identifiers: Orphanet 335, Orphanet 98880, MedGen C2584774, MONDO:0008737, OMIM 202400.
Venous thromboembolism, susceptibility to. Identifiers: MedGen C1858965.

Allele frequency attached by ClinVar (database versions not stated): gnomAD exomes 0.26646 and 0.28556; ExAC 0.28725; gnomAD 0.29256 and 0.29452; TOPMed 0.29304; 1000 Genomes Project 0.32708; 1000 Genomes Project 30x 0.32948.
gnomAD v4.1: 433,314 of 1,613,298 alleles (27%); highest among the groups gnomAD compares: East Asian, 46%; 60,604 homozygotes.

Submissions (10):

Women's Health and Genetics/Laboratory Corporation of America, LabCorp
Classification: Likely benign. Last evaluated: 2026-05-11. Review status: criteria provided, single submitter. Criteria: LabCorp Variant Classification Summary - May 2015. Collection method: clinical testing. Allele origin: germline.

Mayo Clinic Laboratories, Mayo Clinic
Classification: Benign. Last evaluated: 2025-03-07. Review status: criteria provided, single submitter. Criteria: ACMG Guidelines, 2015. Collection method: clinical testing. Allele origin: germline. Observed: 230 variant alleles.

Blueprint Genetics
Classification: Likely benign. Last evaluated: 2024-11-26. Review status: criteria provided, single submitter. Criteria: ACMG Guidelines, 2015. Collection method: clinical testing. Allele origin: germline.

GeneDx
Classification: Benign. Last evaluated: 2018-07-09. Review status: criteria provided, single submitter. Criteria: GeneDx Variant Classification Process June 2021. Collection method: clinical testing. Allele origin: germline. Affected: yes.
Comment: This variant is associated with the following publications: (PMID: 32853977, 26139837, 18057060, 24821635, 10318664, 17433418, 19652888, 23894515, 19143925, 22353194, 10910940)

Illumina Laboratory Services, Illumina
Classification: Benign for Congenital afibrinogenemia. Last evaluated: 2018-03-06. Review status: criteria provided, single submitter. Criteria: ICSL Variant Classification Criteria 13 December 2019. Collection method: clinical testing. Allele origin: germline.
Comment: This variant was observed in the ICSL laboratory as part of a predisposition screen in an ostensibly healthy population. It had not been previously curated by ICSL or reported in the Human Gene Mutation Database (HGMD: prior to June 1st, 2018), and was therefore a candidate for classification through an automated scoring system. Utilizing variant allele frequency, disease prevalence and penetrance estimates, and inheritance mode, an automated score was calculated to assess if this variant is too frequent to cause the disease. Based on the score and internal cut-off values, a variant classified as benign is not then subjected to further curation. The score for this variant resulted in a classification of benign for this disease.

Illumina Laboratory Services, Illumina
Classification: Benign for Familial visceral amyloidosis, Ostertag type. Last evaluated: 2018-03-06. Review status: criteria provided, single submitter. Criteria: ICSL Variant Classification Criteria 13 December 2019. Collection method: clinical testing. Allele origin: germline.
Comment: the same text as in the submission from Illumina Laboratory Services, Illumina above.

PreventionGenetics, part of Exact Sciences
Classification: Benign. Review status: criteria provided, single submitter. Criteria: ACMG Guidelines, 2015. Collection method: clinical testing. Allele origin: germline.

OMIM
Classification: risk factor for VENOUS THROMBOEMBOLISM, SUSCEPTIBILITY TO. Last evaluated: 2006-03-01. Review status: no assertion criteria provided. Collection method: literature only. Allele origin: germline. Not counted in ClinVar's aggregate classification.

Diagnostic Laboratory, Department of Genetics, University Medical Center Groningen
Classification: Benign. Review status: no assertion criteria provided. Collection method: clinical testing. Allele origin: germline. Affected: yes. Study: VKGL Data-share Consensus. Not counted in ClinVar's aggregate classification.

Joint Genome Diagnostic Labs from Nijmegen and Maastricht, Radboudumc and MUMC+
Classification: Benign. Review status: no assertion criteria provided. Collection method: clinical testing. Allele origin: germline. Affected: yes. Study: VKGL Data-share Consensus. Not counted in ClinVar's aggregate classification.

Literature cited by the submitters: PubMed 37832789 (cited by Mayo Clinic Laboratories, Mayo Clinic); PubMed 10910940 (cited by OMIM); PubMed 16362348 (cited by OMIM).